The following is an entry in ClinVar:

ClinVar aggregate classification (germline): Uncertain significance (1 of 4 stars; one submission).

Conditions:
Hereditary diffuse gastric adenocarcinoma (HDGC). Also called: DIFFUSE GASTRIC AND LOBULAR BREAST CANCER SYNDROME. Identifiers: Orphanet 26106, MedGen C1708349, MONDO:0007648, OMIM 137215.

Submission:

Labcorp Genetics (formerly Invitae), Labcorp
Classification: Uncertain significance for Hereditary diffuse gastric adenocarcinoma. Last evaluated: 2024-11-03. Review status: criteria provided, single submitter. Criteria: Invitae Variant Classification Sherloc (09022015). Collection method: clinical testing. Allele origin: germline.
Comment: This sequence change replaces alanine, which is neutral and non-polar, with glutamic acid, which is acidic and polar, at codon 817 of the CDH1 protein (p.Ala817Glu). This variant is not present in population databases (gnomAD no frequency). This variant has not been reported in the literature in individuals affected with CDH1-related conditions. ClinVar contains an entry for this variant (Variation ID: 2993742). An algorithm developed to predict the effect of missense changes on protein structure and function (PolyPhen-2) suggests that this variant is likely to be disruptive. In summary, the available evidence is currently insufficient to determine the role of this variant in disease. Therefore, it has been classified as a Variant of Uncertain Significance.

NM_004360.5(CDH1):c.2450C>A (p.Ala817Glu)

Gene: CDH1 (cadherin 1; plus strand). Cytogenetic location: 16q22.1.
Variant type: single nucleotide variant.
Coding change: c.2450C>A on transcript NM_004360.5 (MANE Select); coding-DNA position 2450, C replaced by A.
Protein change: p.Ala817Glu; replaces alanine 817 with glutamic acid.
Molecular consequence: missense variant.
Genome position (GRCh38, 1-based): chr16:68,833,300, C>A. VCF-style: chr16-68833300-C-A. GRCh37 (hg19) VCF-style: chr16-68867203-C-A.
Other names: c.2267C>A, p.Ala756Glu (NM_001317184.2); c.902C>A, p.Ala301Glu (NM_001317185.2); c.485C>A, p.Ala162Glu (NM_001317186.2); short protein forms A756E, A301E, A817E, A162E.
Identifiers: ClinVar variation 2993742 (VCV002993742.3), dbSNP rs587782024, ClinGen allele CA396471972.